The following is an entry in ClinVar:

NM_006421.5(ARFGEF1):c.2459G>C (p.Ser820Thr)

Gene: ARFGEF1 (ARF guanine nucleotide exchange factor 1; minus strand). Cytogenetic location: 8q13.2.
Variant type: single nucleotide variant.
Coding change: c.2459G>C on transcript NM_006421.5 (MANE Select); coding-DNA position 2459, G replaced by C.
Protein change: p.Ser820Thr; replaces serine 820 with threonine.
Molecular consequence: missense variant. On other transcripts: non-coding transcript variant (1).
Genome position (GRCh38, 1-based): chr8:67,257,799, C>G on the plus strand (G>C on the coding strand, the complement: ARFGEF1 is on the minus strand). VCF-style: chr8-67257799-C-G. GRCh37 (hg19) VCF-style: chr8-68170034-C-G.
Other names: c.2459G>C, p.Ser820Thr (NM_001413184.1, NM_001413185.1, NM_001413186.1 and 7 more transcripts); c.1859G>C, p.Ser620Thr (NM_001413188.1, NM_001413193.1, NM_001413197.1); c.1034G>C, p.Ser345Thr (NM_001413196.1); short protein forms S345T, S820T, S620T.
Identifiers: ClinVar variation 3936820 (VCV003936820.5).

ClinVar aggregate classification (germline): Conflicting classifications of pathogenicity. Review status: criteria provided, conflicting classifications (1 of 4 stars). 2 submissions from 2 submitters: Uncertain significance (1); Likely benign (1). Last evaluated 2026-02-01.

Conditions:
Inborn genetic diseases. Identifiers: MedGen C0950123, MeSH D030342.

gnomAD v4.1: 32 of 1,609,036 alleles (0.002%); highest among the groups gnomAD compares: African/African-American, 0.012%; no homozygotes.

Submissions (2):

CeGaT Center for Human Genetics Tuebingen
Classification: Uncertain significance. Last evaluated: 2026-02-01. Review status: criteria provided, single submitter. Criteria: CeGaT Center For Human Genetics Tuebingen Variant Classification Criteria Version 2. Collection method: clinical testing. Allele origin: germline. Affected: yes. Observed: 1 variant allele.
Comment: ARFGEF1: PP2, PP3

Ambry Genetics
Classification: Likely benign for Inborn genetic diseases. Last evaluated: 2025-04-21. Review status: criteria provided, single submitter. Criteria: Ambry Variant Classification Scheme 2023. Collection method: clinical testing. Allele origin: germline.